The following is an entry in ClinVar:

NM_000540.3(RYR1):c.8884C>T (p.Gln2962Ter)

Gene: RYR1 (ryanodine receptor 1; plus strand). Cytogenetic location: 19q13.2.
Variant type: single nucleotide variant.
Coding change: c.8884C>T on transcript NM_000540.3 (MANE Select); coding-DNA position 8884, C replaced by T.
Protein change: p.Gln2962Ter; replaces glutamine 2962 with a stop codon.
Molecular consequence: nonsense.
Genome position (GRCh38, 1-based): chr19:38,507,779, C>T. VCF-style: chr19-38507779-C-T. GRCh37 (hg19) VCF-style: chr19-38998419-C-T.
Other names: c.8884C>T, p.Gln2962Ter (NM_001042723.2); short protein forms Q2962*.
Identifiers: ClinVar variation 4757358 (VCV004757358.1).
Genomic context (GRCh38, chr19:38,507,779, plus strand): 5'-AAGGACATGGAACTGGACTCGTCTTCCATTGAAAAGCGGTTTGCCTTTGGCTTCCTGCAG[C>T]AGCTGCTGCGCTGGATGGACATTTCTCAGGAGTTCATTGCCCACCTGGGTACGGAGAAAT-3'

ClinVar aggregate classification (germline): Uncertain significance (1 of 4 stars; one submission).

Conditions:
Malignant hyperthermia, susceptibility to, 1 (MHS1). Also called: RYR1-Related Malignant Hyperthermia Susceptibility; Malignant hyperthermia suceptibility 1; Anesthesia related hyperthermia; Malignant hyperpyrexia; Fulminating hyperpyrexia; Pharmacogenic myopathy. Identifiers: Orphanet 423, MedGen C2930980, MONDO:0007783, OMIM 145600.

Submission:

Color Diagnostics, LLC DBA Color Health
Classification: Uncertain significance for Malignant hyperthermia, susceptibility to, 1. Last evaluated: 2025-07-07. Review status: criteria provided, single submitter. Criteria: ACMG Guidelines, 2015. Collection method: clinical testing. Allele origin: germline.
Comment: This variant changes 1 nucleotide in exon 58 of the RYR1 gene, creating a premature translation stop signal. This variant is expected to result in an absent or non-functional protein product. To our knowledge, this variant has not been reported in individuals affected with RYR1-related disorders in the literature. This variant has not been identified in the general population by the Genome Aggregation Database (gnomAD). The available evidence is insufficient to determine the role of this variant in autosomal dominant malignant hyperthermia susceptibility conclusively. Therefore, this variant is classified as a Variant of Uncertain Significance.